The following is an entry in ClinVar:

NM_001349253.2(SCN11A):c.1604-1G>A

Gene: SCN11A (sodium voltage-gated channel alpha subunit 11; minus strand). Cytogenetic location: 3p22.2.
Variant type: single nucleotide variant.
Coding change: c.1604-1G>A on transcript NM_001349253.2 (MANE Select); the canonical splice acceptor site of the intron before coding-DNA position 1604, G replaced by A.
Molecular consequence: splice acceptor variant.
Genome position (GRCh38, 1-based): chr3:38,904,104, C>T on the plus strand (G>A on the coding strand, the complement: SCN11A is on the minus strand). VCF-style: chr3-38904104-C-T. GRCh37 (hg19) VCF-style: chr3-38945595-C-T.
Other names: c.1604-1G>A (NM_014139.3).
Identifiers: ClinVar variation 1471305 (VCV001471305.8), dbSNP rs2126124857, ClinGen allele CA352164938.

ClinVar aggregate classification (germline): Uncertain significance (1 of 4 stars; one submission).

Conditions:
Hereditary sensory and autonomic neuropathy type 7. Also called: Neuropathy, hereditary sensory and autonomic, type VII; HSAN VII. Identifiers: Orphanet 391397, MedGen C3809882, MONDO:0014244, OMIM 615548.
Familial episodic pain syndrome with predominantly lower limb involvement. Also called: Episodic pain syndrome, familial, 3. Identifiers: Orphanet 391384, Orphanet 391392, MedGen C3809899, MONDO:0014247, OMIM 615552.

Submission:

Labcorp Genetics (formerly Invitae), Labcorp
Classification: Uncertain significance for Familial episodic pain syndrome with predominantly lower limb involvement; Hereditary sensory and autonomic neuropathy type 7. Last evaluated: 2021-06-03. Review status: criteria provided, single submitter. Criteria: Invitae Variant Classification Sherloc (09022015). Collection method: clinical testing. Allele origin: germline.
Comment: In summary, the available evidence is currently insufficient to determine the role of this variant in disease. Therefore, it has been classified as a Variant of Uncertain Significance. Algorithms developed to predict the effect of sequence changes on RNA splicing suggest that this variant may disrupt the consensus splice site, but this prediction has not been confirmed by published transcriptional studies. This variant has not been reported in the literature in individuals with SCN11A-related conditions. This variant is not present in population databases (ExAC no frequency). This sequence change affects an acceptor splice site in intron 11 of the SCN11A gene. It is expected to disrupt RNA splicing. Variants that disrupt the donor or acceptor splice site typically lead to a loss of protein function (PMID: 16199547), however the current clinical and genetic evidence is not sufficient to establish whether loss-of-function variants in SCN11A cause disease.

Literature cited by the submitters: PubMed 16199547.